The following is an entry in ClinVar:

NM_080680.3(COL11A2):c.3719G>A (p.Gly1240Glu)

Gene: COL11A2 (collagen type XI alpha 2 chain; minus strand). Cytogenetic location: 6p21.32.
Variant type: single nucleotide variant.
Coding change: c.3719G>A on transcript NM_080680.3 (MANE Select); coding-DNA position 3719, G replaced by A.
Protein change: p.Gly1240Glu; replaces glycine 1240 with glutamic acid.
Molecular consequence: missense variant.
Genome position (GRCh38, 1-based): chr6:33,169,462, C>T on the plus strand (G>A on the coding strand, the complement: COL11A2 is on the minus strand). VCF-style: chr6-33169462-C-T. GRCh37 (hg19) VCF-style: chr6-33137239-C-T.
Other names: c.3539G>A, p.Gly1180Glu (NM_001424108.1); c.2873G>A, p.Gly958Glu (NM_001424109.1); c.2693G>A, p.Gly898Glu (NM_001424110.1, NM_001424111.1); c.1673G>A, p.Gly558Glu (NM_001424112.1); c.3398G>A, p.Gly1133Glu (NM_080679.3); c.3461G>A, p.Gly1154Glu (NM_080681.3); short protein forms G1154E, G558E, G1240E, G898E, G958E, G1133E, G1180E.
Identifiers: ClinVar variation 3635244 (VCV003635244.2).

ClinVar aggregate classification (germline): Uncertain significance (1 of 4 stars; one submission).

Submission:

Labcorp Genetics (formerly Invitae), Labcorp
Classification: Uncertain significance. Last evaluated: 2024-09-29. Review status: criteria provided, single submitter. Criteria: Invitae Variant Classification Sherloc (09022015). Collection method: clinical testing. Allele origin: germline.
Comment: This sequence change replaces glycine, which is neutral and non-polar, with glutamic acid, which is acidic and polar, at codon 1240 of the COL11A2 protein (p.Gly1240Glu). This variant is not present in population databases (gnomAD no frequency). This variant has not been reported in the literature in individuals affected with COL11A2-related conditions. Invitae Evidence Modeling of protein sequence and biophysical properties (such as structural, functional, and spatial information, amino acid conservation, physicochemical variation, residue mobility, and thermodynamic stability) indicates that this missense variant is expected to disrupt COL11A2 protein function with a positive predictive value of 95%. In summary, the available evidence is currently insufficient to determine the role of this variant in disease. Therefore, it has been classified as a Variant of Uncertain Significance.